The following is an entry in ClinVar:

ClinVar aggregate classification (germline): Pathogenic (1 of 4 stars; one submission).

Conditions:
POLG-related disorder. Also called: POLG-Related Spectrum Disorders; POLG-related condition; POLG-Related Disorders. Identifiers: MedGen C4763519.

Submission:

Myriad Genetics, Inc.
Classification: Pathogenic for POLG-related disorder. Last evaluated: 2026-07-12. Review status: criteria provided, single submitter. Criteria: Myriad Autosomal Dominant, Autosomal Recessive and X-Linked Classification Criteria (2023). Collection method: clinical testing. Allele origin: unknown.
Comment: NM_002693.2(POLG):c.3190_3191dupAT(A1065Lfs*30) is expected to be pathogenic in the context of POLG-related disorders. This variant is predicted to lead to an abnormal or absent protein product due to the creation of a premature termination codon in POLG, a gene where loss-of-function variants are known to be pathogenic. Please note: this variant was assessed in the context of healthy population screening.

NM_002693.3(POLG):c.3190_3191dup (p.Ala1065fs)

Gene: POLG (DNA polymerase gamma, catalytic subunit; minus strand). Cytogenetic location: 15q26.1.
Variant type: Duplication.
Coding change: c.3190_3191dup on transcript NM_002693.3 (MANE Select); coding-DNA positions 3190 to 3191, 2 bases duplicated (AT; older notation c.3190_3191dupAT).
Protein change: p.Ala1065fs; shifts the reading frame from alanine 1065.
Molecular consequence: frameshift variant.
Genome position (GRCh38, 1-based): chr15:89,319,013-89,319,014, AT duplicated on the plus strand (AT on the coding strand, the reverse complement: POLG is on the minus strand). VCF-style (leftmost placement, unchanged base first): chr15-89319012-A-AAT. GRCh37 (hg19) VCF-style: chr15-89862243-A-AAT.
Other names: c.3190_3191dup, p.Ala1065fs (NM_001126131.2); short protein forms A1065fs.
Identifiers: ClinVar variation 5016120 (VCV005016120.1).